The following is an entry in ClinVar:

NM_000552.5(VWF):c.3549G>C (p.Leu1183=)

Gene: VWF (von Willebrand factor; minus strand). Cytogenetic location: 12p13.31.
Variant type: single nucleotide variant.
Coding change: c.3549G>C on transcript NM_000552.5 (MANE Select); coding-DNA position 3549, G replaced by C.
Protein change: p.Leu1183=; no amino-acid change (leucine 1183 retained).
Molecular consequence: synonymous variant.
Genome position (GRCh38, 1-based): chr12:6,022,025, C>G on the plus strand (G>C on the coding strand, the complement: VWF is on the minus strand). VCF-style: chr12-6022025-C-G. GRCh37 (hg19) VCF-style: chr12-6131191-C-G.
Other names: p.Leu1183=.
Identifiers: ClinVar variation 4683704 (VCV004683704.1).

ClinVar aggregate classification (germline): Likely benign (1 of 4 stars; one submission).

gnomAD v4.1: 30 of 1,614,046 alleles (0.0019%); highest among the groups gnomAD compares: Non-Finnish European, 0.0025%; no homozygotes.

Submission:

Mayo Clinic Laboratories, Mayo Clinic
Classification: Likely benign. Last evaluated: 2025-09-29. Review status: criteria provided, single submitter. Criteria: ACMG Guidelines, 2015. Collection method: clinical testing. Allele origin: germline. Observed: 1 variant allele.
Comment: BP4, BP7, PM2_supporting